The following is an entry in ClinVar:

NM_000493.4(COL10A1):c.*196T>C

Genes: COL10A1 (collagen type X alpha 1 chain; minus strand), NT5DC1 (5'-nucleotidase domain containing 1; plus strand). Cytogenetic location: 6q22.1.
Variant type: single nucleotide variant.
Coding change: c.*196T>C on transcript NM_000493.4 (MANE Select); 196 bases downstream of the stop codon, T replaced by C.
Molecular consequence: 3 prime UTR variant. On other transcripts: intron variant (1).
Genome position (GRCh38, 1-based): chr6:116,119,877, A>G on the plus strand (T>C on the coding strand, the complement: COL10A1 is on the minus strand). VCF-style: chr6-116119877-A-G. GRCh37 (hg19) VCF-style: chr6-116441040-A-G.
Other names: c.*196T>C (NM_001424106.1, NM_001424107.1); c.529+1932A>G (NM_152729.3).
Identifiers: ClinVar variation 355086 (VCV000355086.5), dbSNP rs182209892, ClinGen allele CA10622819.

ClinVar aggregate classification (germline): Benign (1 of 4 stars; one submission).

Conditions:
Metaphyseal chondrodysplasia, Schmid type (MCDS). Also called: SPONDYLOMETAPHYSEAL DYSPLASIA, JAPANESE TYPE. Identifiers: Orphanet 174, MedGen C0265289, MONDO:0007983, OMIM 156500.

Allele frequency attached by ClinVar (database versions not stated): 1000 Genomes Project 0.00100; 1000 Genomes Project 30x 0.00109; TOPMed 0.00245; gnomAD 0.00301 and 0.00310; gnomAD exomes 0.00377.
gnomAD v4.1: 2,094 of 592,098 alleles (0.35%); highest among the groups gnomAD compares: Non-Finnish European, 0.46%; 8 homozygotes.

Submission:

Illumina Laboratory Services, Illumina
Classification: Benign for Metaphyseal chondrodysplasia, Schmid type. Last evaluated: 2018-01-12. Review status: criteria provided, single submitter. Criteria: ICSL Variant Classification Criteria 13 December 2019. Collection method: clinical testing. Allele origin: germline.
Comment: This variant was observed in the ICSL laboratory as part of a predisposition screen in an ostensibly healthy population. It had not been previously curated by ICSL or reported in the Human Gene Mutation Database (HGMD: prior to June 1st, 2018), and was therefore a candidate for classification through an automated scoring system. Utilizing variant allele frequency, disease prevalence and penetrance estimates, and inheritance mode, an automated score was calculated to assess if this variant is too frequent to cause the disease. Based on the score and internal cut-off values, a variant classified as benign is not then subjected to further curation. The score for this variant resulted in a classification of benign for this disease.